The following is an entry in ClinVar:

NM_000135.4(FANCA):c.3233A>G (p.Tyr1078Cys)

Gene: FANCA (FA complementation group A; minus strand). Cytogenetic location: 16q24.3.
Variant type: single nucleotide variant.
Coding change: c.3233A>G on transcript NM_000135.4 (MANE Select); coding-DNA position 3233, A replaced by G.
Protein change: p.Tyr1078Cys; replaces tyrosine 1078 with cysteine.
Molecular consequence: missense variant.
Genome position (GRCh38, 1-based): chr16:89,749,736, T>C on the plus strand (A>G on the coding strand, the complement: FANCA is on the minus strand). VCF-style: chr16-89749736-T-C. GRCh37 (hg19) VCF-style: chr16-89816144-T-C.
Other names: c.3233A>G, p.Tyr1078Cys (NM_001286167.3); short protein forms Y1078C.
Identifiers: ClinVar variation 2075420 (VCV002075420.6), dbSNP rs1285387383, ClinGen allele CA397486431.

ClinVar aggregate classification (germline): Conflicting classifications of pathogenicity. Review status: criteria provided, conflicting classifications (1 of 4 stars). 2 submissions from 2 submitters: Uncertain significance (1); Likely benign (1). Last evaluated 2024-12-16.

Conditions:
Inborn genetic diseases. Identifiers: MedGen C0950123, MeSH D030342.
Fanconi anemia (FA). Also called: Fanconi's anemia. Identifiers: Orphanet 84, MedGen C0015625, MeSH D005199, MONDO:0019391.

Allele frequency attached by ClinVar (database versions not stated): gnomAD exomes 0.00001; TOPMed below 0.00001.
gnomAD v4.1: 8 of 1,613,868 alleles (0.0005%); highest among the groups gnomAD compares: Non-Finnish European, 0.00068%; no homozygotes.

Submissions (2):

Ambry Genetics
Classification: Likely benign for Inborn genetic diseases. Last evaluated: 2024-12-16. Review status: criteria provided, single submitter. Criteria: Ambry Variant Classification Scheme 2023. Collection method: clinical testing. Allele origin: germline.

Labcorp Genetics (formerly Invitae), Labcorp
Classification: Uncertain significance for Fanconi anemia. Last evaluated: 2024-10-14. Review status: criteria provided, single submitter. Criteria: Invitae Variant Classification Sherloc (09022015). Collection method: clinical testing. Allele origin: germline.
Comment: This sequence change replaces tyrosine, which is neutral and polar, with cysteine, which is neutral and slightly polar, at codon 1078 of the FANCA protein (p.Tyr1078Cys). This variant is not present in population databases (gnomAD no frequency). This variant has not been reported in the literature in individuals affected with FANCA-related conditions. ClinVar contains an entry for this variant (Variation ID: 2075420). Invitae Evidence Modeling of protein sequence and biophysical properties (such as structural, functional, and spatial information, amino acid conservation, physicochemical variation, residue mobility, and thermodynamic stability) indicates that this missense variant is not expected to disrupt FANCA protein function with a negative predictive value of 95%. In summary, the available evidence is currently insufficient to determine the role of this variant in disease. Therefore, it has been classified as a Variant of Uncertain Significance.